The following is an entry in ClinVar:

NM_019594.4(LRRC8A):c.324C>T (p.Tyr108=)

Gene: LRRC8A (leucine rich repeat containing 8 VRAC subunit A; plus strand). Cytogenetic location: 9q34.11.
Variant type: single nucleotide variant.
Coding change: c.324C>T on transcript NM_019594.4 (MANE Select); coding-DNA position 324, C replaced by T.
Protein change: p.Tyr108=; no amino-acid change (tyrosine 108 retained).
Molecular consequence: synonymous variant.
Genome position (GRCh38, 1-based): chr9:128,907,488, C>T. VCF-style: chr9-128907488-C-T. GRCh37 (hg19) VCF-style: chr9-131669767-C-T.
Other names: c.324C>T, p.Tyr108= (NM_001127244.2, NM_001127245.2).
Identifiers: ClinVar variation 728155 (VCV000728155.13), dbSNP rs139528042, ClinGen allele CA5270697.

ClinVar aggregate classification (germline): Benign/Likely benign. Review status: criteria provided, multiple submitters, no conflicts (2 of 4 stars). 3 submissions from 3 submitters: Benign (1); Likely benign (1). 1 of the submissions does not count toward it. Last evaluated 2026-01-11.

Conditions:
LRRC8A-related disorder. Also called: LRRC8A-related condition.

Allele frequency attached by ClinVar (database versions not stated): gnomAD exomes 0.00028 and 0.00071; ExAC 0.00095; gnomAD 0.00299 and 0.00317; TOPMed 0.00319; ESP Exome Variant Server 0.00346; 1000 Genomes Project 30x 0.00390; 1000 Genomes Project 0.00439.
gnomAD v4.1: 872 of 1,614,058 alleles (0.054%); highest among the groups gnomAD compares: African/African-American, 1%; 2 homozygotes.

Submissions (3):

Labcorp Genetics (formerly Invitae), Labcorp
Classification: Benign. Last evaluated: 2026-01-11. Review status: criteria provided, single submitter. Criteria: Invitae Variant Classification Sherloc (09022015). Collection method: clinical testing. Allele origin: germline.

Blueprint Genetics
Classification: Likely benign. Last evaluated: 2024-10-08. Review status: criteria provided, single submitter. Criteria: ACMG Guidelines, 2015. Collection method: clinical testing. Allele origin: germline.

PreventionGenetics, part of Exact Sciences
Classification: Benign for LRRC8A-related condition. Last evaluated: 2024-08-07. Review status: no assertion criteria provided. Collection method: clinical testing. Allele origin: germline. Not counted in ClinVar's aggregate classification.
Comment: This variant is classified as benign based on ACMG/AMP sequence variant interpretation guidelines (Richards et al. 2015 PMID: 25741868, with internal and published modifications).